The following is an entry in ClinVar:

ClinVar aggregate classification (germline): Pathogenic (1 of 4 stars; one submission).

Submission:

Labcorp Genetics (formerly Invitae), Labcorp
Classification: Pathogenic. Last evaluated: 2020-02-29. Review status: criteria provided, single submitter. Criteria: Invitae Variant Classification Sherloc (09022015). Collection method: clinical testing. Allele origin: germline.
Comment: This sequence change creates a premature translational stop signal (p.Leu1218Phefs*27) in the CDH23 gene. It is expected to result in an absent or disrupted protein product. This variant is not present in population databases (ExAC no frequency). This variant has not been reported in the literature in individuals with CDH23-related conditions. Loss-of-function variants in CDH23 are known to be pathogenic (PMID: 11138009, 21940737). For these reasons, this variant has been classified as Pathogenic.

Literature cited by the submitters: PubMed 11138009; PubMed 21940737.

NM_022124.6(CDH23):c.3651del (p.Leu1218fs)

Genes: C10orf105 (chromosome 10 open reading frame 105; minus strand), CDH23 (cadherin related 23; plus strand). Cytogenetic location: 10q22.1.
Variant type: Deletion.
Coding change: c.3651del on transcript NM_022124.6 (MANE Select); coding-DNA position 3651, one base deleted (G; older notation c.3651delG).
Protein change: p.Leu1218fs; shifts the reading frame from leucine 1218.
Molecular consequence: frameshift variant. On other transcripts: intron variant (1).
Genome position (GRCh38, 1-based): chr10:71,730,540, G deleted; the last of 4 consecutive G bases (chr10:71,730,537-71,730,540); deleting any one gives the same sequence. VCF-style (leftmost placement, unchanged base first): chr10-71730536-TG-T. GRCh37 (hg19) VCF-style: chr10-73490293-TG-T.
Other names: c.3651del, p.Leu1218fs (NM_001171930.2); c.-6+7191del (NM_001168390.2); short protein forms L1218fs.
Identifiers: ClinVar variation 1076540 (VCV001076540.8), dbSNP rs2132820242, ClinGen allele CA2499220326.